The following is an entry in ClinVar:

ClinVar aggregate classification (germline): Pathogenic. Review status: criteria provided, single submitter (1 of 4 stars). 2 submissions from 2 submitters: Pathogenic (1). 1 of the submissions does not count toward it. Last evaluated 2024-05-14.

Conditions:
Multiple sulfatase deficiency (MSD). Also called: Multiple Sulfatase Deficiency Disease; Sulfatidosis, Juvenile, Austin Type; Mucosulfatidosis. Identifiers: Orphanet 585, MedGen C0268263, MONDO:0010088, OMIM 272200.

Submissions (2):

Myriad Genetics, Inc.
Classification: Pathogenic for Multiple sulfatase deficiency. Last evaluated: 2024-05-14. Review status: criteria provided, single submitter. Criteria: Myriad Autosomal Dominant, Autosomal Recessive and X-Linked Classification Criteria (2023). Collection method: clinical testing. Allele origin: unknown.
Comment: NM_182760.3(SUMF1):c.243delC(G82Efs*27) is expected to be pathogenic in the context of multiple sulfatase deficiency. This variant is predicted to lead to an abnormal or absent protein product due to the creation of a premature termination codon in SUMF1, a gene where loss-of-function variants are known to be pathogenic. Please note: this variant was assessed in the context of healthy population screening.

OMIM
Classification: Pathogenic for MULTIPLE SULFATASE DEFICIENCY. Last evaluated: 2003-05-16. Review status: no assertion criteria provided. Collection method: literature only. Allele origin: germline. Not counted in ClinVar's aggregate classification.

Literature cited by the submitters: PubMed 12757705 (cited by OMIM).

NM_182760.4(SUMF1):c.243del (p.Gly82fs)

Genes: SUMF1 (sulfatase modifying factor 1; minus strand), LOC129936056 (ATAC-STARR-seq lymphoblastoid silent region 14016; plus strand). Cytogenetic location: 3p26.1.
Variant type: Deletion.
Coding change: c.243del on transcript NM_182760.4 (MANE Select); coding-DNA position 243, one base deleted (C; older notation c.243delC).
Protein change: p.Gly82fs; shifts the reading frame from glycine 82.
Molecular consequence: frameshift variant.
Genome position (GRCh38, 1-based): chr3:4,467,003, G deleted on the plus strand (C on the coding strand, the reverse complement: SUMF1 is on the minus strand); the first of 3 consecutive G bases (chr3:4,467,003-4,467,005); deleting any one gives the same sequence. VCF-style (leftmost placement, unchanged base first): chr3-4467002-CG-C. GRCh37 (hg19) VCF-style: chr3-4508686-CG-C.
Other names: c.243del, p.Gly82fs (NM_001164674.2, NM_001164675.2); short protein forms G82fs.
Identifiers: ClinVar variation 2670 (VCV000002670.2), dbSNP rs2124822282, ClinGen allele CA2577541360.
Genomic context (GRCh38, chr3:4,467,002, plus strand): 5'-GCCCCCACCCGCCTCGGAGGAATCGATGGAGCACCTTTGAGTGCGCGAGTTGCCGCTCTC[CG>C]GGTACGGGGCCCGGAGCGTTAGCCTCCCGCGAGTATCGGTGAGCGGCTGCCGAACTGCCA-3'